The following is an entry in ClinVar:

ClinVar aggregate classification (germline): Likely pathogenic (1 of 4 stars; one submission).

Conditions:
Classic homocystinuria. Also called: Homocystinuria due to CBS deficiency; Cystathionine beta-synthase deficiency; CBS deficiency; Homocystinuria due to Cystathionine Beta-Synthase Deficiency; HOMOCYSTINURIA WITH OR WITHOUT RESPONSE TO PYRIDOXINE. Identifiers: Orphanet 394, MedGen C0751202, MONDO:0009352, OMIM 236200.

Submission:

Myriad Genetics, Inc.
Classification: Likely pathogenic for Classic homocystinuria. Last evaluated: 2022-03-09. Review status: criteria provided, single submitter. Criteria: Myriad Women's Health Autosomal Recessive and X-Linked Classification Criteria (2021). Collection method: clinical testing. Allele origin: unknown.
Comment: NM_000071.2(CBS):c.1179delG(K394Rfs*4) is expected to be pathogenic in the context of homocystinuria, CBS-related. This variant is predicted to lead to an abnormal or absent protein product due to the creation of a premature termination codon in CBS, a gene where loss-of-function variants are known to be pathogenic. Please note: this variant was assessed in the context of healthy population screening.

NM_000071.3(CBS):c.1179del (p.Lys394fs)

Gene: CBS (cystathionine beta-synthase; minus strand). Cytogenetic location: 21q22.3.
Variant type: Deletion.
Coding change: c.1179del on transcript NM_000071.3 (MANE Select); coding-DNA position 1179, one base deleted (G; older notation c.1179delG).
Protein change: p.Lys394fs; shifts the reading frame from lysine 394.
Molecular consequence: frameshift variant.
Genome position (GRCh38, 1-based): chr21:43,059,270, C deleted on the plus strand (G on the coding strand, the reverse complement: CBS is on the minus strand). VCF-style (leftmost placement, unchanged base first): chr21-43059269-TC-T. GRCh37 (hg19) VCF-style: chr21-44479379-TC-T.
Other names: c.1179del, p.Lys394fs (NM_001178008.3, NM_001178009.3, NM_001320298.2); c.864del, p.Lys289fs (NM_001321072.1); short protein forms K289fs, K394fs.
Identifiers: ClinVar variation 1725151 (VCV001725151.2), dbSNP rs2517403114, ClinGen allele CA2580098773.